The following is an entry in ClinVar:

ClinVar aggregate classification (germline): Pathogenic/Likely pathogenic. Review status: criteria provided, multiple submitters, no conflicts (2 of 4 stars). 4 submissions from 4 submitters: Pathogenic (3); Likely pathogenic (1). Last evaluated 2023-11-09.

Conditions:
RPGR-related disorder. Also called: RPGR-related condition.
Retinitis pigmentosa 3. Also called: CHOROIDORETINAL DEGENERATION WITH RETINAL REFLEX IN HETEROZYGOUS WOMEN. Identifiers: Orphanet 791, MedGen C1845667, MONDO:0010227, OMIM 300029.
Primary ciliary dyskinesia. Also called: Ciliary dyskinesia. Identifiers: Orphanet 244, MedGen C0008780, MONDO:0016575, HP:0012265.

Submissions (4):

3billion
Classification: Likely pathogenic for Retinitis pigmentosa 3. Last evaluated: 2023-11-09. Review status: criteria provided, single submitter. Criteria: ACMG Guidelines, 2015. Collection method: clinical testing. Allele origin: germline. Affected: yes.
Comment: The variant is not observed in the gnomAD v2.1.1 dataset. Predicted Consequence/Location: Frameshift: predicted to result in a loss or disruption of normal protein function through protein truncation. The predicted truncated protein may be shortened by more than 10%. The variant has been reported at least twice as pathogenic without evidence for the classification (ClinVar ID: VCV001351457). Therefore, this variant is classified as Likely pathogenic according to the recommendation of ACMG/AMP guideline.

Labcorp Genetics (formerly Invitae), Labcorp
Classification: Pathogenic for Primary ciliary dyskinesia. Last evaluated: 2023-08-17. Review status: criteria provided, single submitter. Criteria: Invitae Variant Classification Sherloc (09022015). Collection method: clinical testing. Allele origin: germline.
Comment: ClinVar contains an entry for this variant (Variation ID: 1351457). This sequence change creates a premature translational stop signal (p.Glu965Glyfs*124) in the RPGR (ORF15) gene. While this is not anticipated to result in nonsense mediated decay, it is expected to disrupt the last 188 amino acid(s) of the RPGR (ORF15) protein. This variant is not present in population databases (gnomAD no frequency). This premature translational stop signal has been observed in individuals with X-linked retinitis pigmentosa (PMID: 10932196; Invitae). This variant is also known as g.ORF15+1141delA. This variant disrupts a region of the RPGR (ORF15) protein in which other variant(s) (p.Leu1130Lysfs*13) have been determined to be pathogenic (PMID: 22264887; Invitae). This suggests that this is a clinically significant region of the protein, and that variants that disrupt it are likely to be disease-causing. For these reasons, this variant has been classified as Pathogenic.

GeneDx
Classification: Pathogenic. Last evaluated: 2021-11-27. Review status: criteria provided, single submitter. Criteria: GeneDx Variant Classification Process June 2021. Collection method: clinical testing. Allele origin: germline. Affected: yes.
Comment: Frameshift variant predicted to result in protein truncation or nonsense mediated decay in a gene for which loss-of-function is a known mechanism of disease; Not observed at significant frequency in large population cohorts (gnomAD); Described as g.ORF15+1141delA and identified in a patient with x-linked retinitis pigmentosa in published literature (Vervoort et al., 2000); This variant is associated with the following publications: (PMID: 10932196)

Blueprint Genetics
Classification: Pathogenic for RPGR-related disorders. Last evaluated: 2021-10-28. Review status: criteria provided, single submitter. Criteria: ACMG Guidelines, 2015. Collection method: clinical testing. Allele origin: germline. Affected: yes. Observed: 5 variant alleles.

Literature cited by the submitters: PubMed 10932196 (cited by Labcorp Genetics (formerly Invitae), Labcorp); PubMed 22264887 (cited by Labcorp Genetics (formerly Invitae), Labcorp).

NM_001034853.2(RPGR):c.2894del (p.Glu965fs)

Gene: RPGR (retinitis pigmentosa GTPase regulator; minus strand). Cytogenetic location: Xp11.4.
Variant type: Deletion.
Coding change: c.2894del on transcript NM_001034853.2 (MANE Select); coding-DNA position 2894, one base deleted (A; older notation c.2894delA).
Protein change: p.Glu965fs; shifts the reading frame from glutamic acid 965.
Molecular consequence: frameshift variant. On other transcripts: intron variant (8).
Genome position (GRCh38, 1-based): chrX:38,286,105, T deleted on the plus strand (A on the coding strand, the reverse complement: RPGR is on the minus strand). VCF-style (leftmost placement, unchanged base first): chrX-38286104-CT-C. GRCh37 (hg19) VCF-style: chrX-38145357-CT-C.
Other names: c.1569+4854del (NM_001367249.1, NM_001367250.1); c.1902+989del (NM_001367245.1); c.1386+4854del (NM_001367251.1); c.1719+989del (NM_001367246.1); c.1572+4854del (NM_001367247.1); c.1905+989del (NM_000328.3); c.1602+4854del (NM_001367248.1); short protein forms E965fs.
Identifiers: ClinVar variation 1351457 (VCV001351457.10), dbSNP rs2147193654, ClinGen allele CA2573158772.